The following is an entry in ClinVar:

ClinVar aggregate classification (germline): Uncertain significance. Review status: criteria provided, multiple submitters, no conflicts (2 of 4 stars). 3 submissions from 3 submitters: Uncertain significance (3). Last evaluated 2026-09-10.

Conditions:
Cardiovascular phenotype. Identifiers: MedGen CN230736.
DSG2-related disorder. Also called: DSG2-related condition.
Arrhythmogenic right ventricular dysplasia 10. Also called: Arrhythmogenic Right Ventricular Dysplasia/Cardiomyopathy10; Arrhythmogenic right ventricular dysplasia/cardiomyopathy, type 10; ARRHYTHMOGENIC RIGHT VENTRICULAR DYSPLASIA, FAMILIAL, 10. Identifiers: MedGen C1857777, MONDO:0012434, OMIM 610193.

gnomAD v4.1: 3 of 1,614,182 alleles (0.00019%); highest among the groups gnomAD compares: Non-Finnish European, 0.00025%; no homozygotes.

Submissions (3):

PreventionGenetics, part of Exact Sciences
Classification: Uncertain significance for DSG2-related condition. Last evaluated: 2026-09-10. Review status: criteria provided, single submitter. Criteria: ACMG Guidelines, 2015. Collection method: clinical testing. Allele origin: germline.
Comment: The DSG2 c.1255G>A variant is predicted to result in the amino acid substitution p.Asp419Asn. This variant has been reported in an individual with sudden cardiac death, and the phenotype was suggestive of idiopathic ventricular fibrillation (Quenin et al. 2017. PubMed ID: 28912206). This variant has not been reported in a large population database (gnomAD), indicating this variant is rare. At this time, the clinical significance of this variant is uncertain due to the absence of conclusive functional and genetic evidence.

Ambry Genetics
Classification: Uncertain significance for Cardiovascular phenotype. Last evaluated: 2024-11-15. Review status: criteria provided, single submitter. Criteria: Ambry Variant Classification Scheme 2023. Collection method: clinical testing. Allele origin: germline.
Comment: The p.D419N variant (also known as c.1255G>A), located in coding exon 9 of the DSG2 gene, results from a G to A substitution at nucleotide position 1255. The aspartic acid at codon 419 is replaced by asparagine, an amino acid with highly similar properties. This amino acid position is highly conserved in available vertebrate species. In addition, the in silico prediction for this alteration is inconclusive. Based on the available evidence, the clinical significance of this variant remains unclear.

Labcorp Genetics (formerly Invitae), Labcorp
Classification: Uncertain significance for Arrhythmogenic right ventricular dysplasia 10. Last evaluated: 2024-02-22. Review status: criteria provided, single submitter. Criteria: Invitae Variant Classification Sherloc (09022015). Collection method: clinical testing. Allele origin: germline.
Comment: This sequence change replaces aspartic acid, which is acidic and polar, with asparagine, which is neutral and polar, at codon 419 of the DSG2 protein (p.Asp419Asn). This variant is not present in population databases (gnomAD no frequency). This variant has not been reported in the literature in individuals affected with DSG2-related conditions. ClinVar contains an entry for this variant (Variation ID: 2170884). Advanced modeling of protein sequence and biophysical properties (such as structural, functional, and spatial information, amino acid conservation, physicochemical variation, residue mobility, and thermodynamic stability) has been performed at Invitae for this missense variant, however the output from this modeling did not meet the statistical confidence thresholds required to predict the impact of this variant on DSG2 protein function. In summary, the available evidence is currently insufficient to determine the role of this variant in disease. Therefore, it has been classified as a Variant of Uncertain Significance.

NM_001943.5(DSG2):c.1255G>A (p.Asp419Asn)

Gene: DSG2 (desmoglein 2; plus strand). Cytogenetic location: 18q12.1.
Variant type: single nucleotide variant.
Coding change: c.1255G>A on transcript NM_001943.5 (MANE Select); coding-DNA position 1255, G replaced by A.
Protein change: p.Asp419Asn; replaces aspartic acid 419 with asparagine.
Molecular consequence: missense variant.
Genome position (GRCh38, 1-based): chr18:31,531,227, G>A. VCF-style: chr18-31531227-G-A. GRCh37 (hg19) VCF-style: chr18-29111190-G-A.
Other names: c.1255G>A (NM_001943.4); short protein forms D419N.
Identifiers: ClinVar variation 2170884 (VCV002170884.6), dbSNP rs2073196893, ClinGen allele CA402139515.